The following is an entry in ClinVar:

NM_153676.4(USH1C):c.891_892del (p.Met298fs)

Gene: USH1C (USH1 protein network component harmonin; minus strand). Cytogenetic location: 11p15.1.
Variant type: Deletion.
Coding change: c.891_892del on transcript NM_153676.4 (MANE Select); coding-DNA positions 891 to 892, 2 bases deleted (CA; older notation c.891_892delCA).
Protein change: p.Met298fs; shifts the reading frame from methionine 298.
Molecular consequence: frameshift variant. On other transcripts: non-coding transcript variant (1).
Genome position (GRCh38, 1-based): chr11:17,522,911-17,522,912, TG deleted on the plus strand (CA on the coding strand, the reverse complement: USH1C is on the minus strand). VCF-style (leftmost placement, unchanged base first): chr11-17522910-ATG-A. GRCh37 (hg19) VCF-style: chr11-17544457-ATG-A.
Other names: c.834_835del, p.Met279fs (NM_001297764.2); c.891_892del, p.Met298fs (NM_005709.4); short protein forms M279fs, M298fs.
Identifiers: ClinVar variation 1724289 (VCV001724289.2), dbSNP rs2497156421, ClinGen allele CA2580082792.

ClinVar aggregate classification (germline): Likely pathogenic (1 of 4 stars; one submission).

Conditions:
Usher syndrome type 1C. Also called: USHER SYNDROME, TYPE I, ACADIAN VARIETY. Identifiers: Orphanet 231169, Orphanet 886, MedGen C1848604, MONDO:0010171, OMIM 276904.

Submission:

Myriad Genetics, Inc.
Classification: Likely pathogenic for Usher syndrome type 1C. Last evaluated: 2022-02-04. Review status: criteria provided, single submitter. Criteria: Myriad Women's Health Autosomal Recessive and X-Linked Classification Criteria (2021). Collection method: clinical testing. Allele origin: unknown.
Comment: NM_005709.3(USH1C):c.891_892delCA(M298Dfs*13) is expected to be pathogenic in the context of USH1C-related disorders. This variant is predicted to lead to an abnormal or absent protein product due to the creation of a premature termination codon in USH1C, a gene where loss-of-function variants are known to be pathogenic. Please note: this variant was assessed in the context of healthy population screening.